The following is an entry in ClinVar:

ClinVar aggregate classification (germline): Uncertain significance. Review status: criteria provided, multiple submitters, no conflicts (2 of 4 stars). 2 submissions from 2 submitters: Uncertain significance (2). Last evaluated 2023-07-25.

Allele frequency attached by ClinVar (database versions not stated): gnomAD exomes 0.00001; TOPMed 0.00001; ExAC 0.00002; gnomAD 0.00003; ESP Exome Variant Server 0.00008.
gnomAD v4.1: 14 of 1,602,136 alleles (0.00087%); highest among the groups gnomAD compares: African/African-American, 0.0013%; no homozygotes.

Submissions (2):

Ambry Genetics
Classification: Uncertain significance. Last evaluated: 2023-07-25. Review status: criteria provided, single submitter. Criteria: Ambry Variant Classification Scheme 2023. Collection method: clinical testing. Allele origin: germline.

Labcorp Genetics (formerly Invitae), Labcorp
Classification: Uncertain significance. Last evaluated: 2021-11-24. Review status: criteria provided, single submitter. Criteria: Invitae Variant Classification Sherloc (09022015). Collection method: clinical testing. Allele origin: germline.
Comment: In summary, the available evidence is currently insufficient to determine the role of this variant in disease. Therefore, it has been classified as a Variant of Uncertain Significance. Algorithms developed to predict the effect of missense changes on protein structure and function are either unavailable or do not agree on the potential impact of this missense change (SIFT: "Deleterious"; PolyPhen-2: "Possibly Damaging"; Align-GVGD: "Class C0"). This variant has not been reported in the literature in individuals affected with DEF6-related conditions. The frequency data for this variant in the population databases is considered unreliable, as metrics indicate poor data quality at this position in the gnomAD database. This sequence change replaces arginine, which is basic and polar, with histidine, which is basic and polar, at codon 4 of the DEF6 protein (p.Arg4His).

NM_022047.4(DEF6):c.11G>A (p.Arg4His)

Gene: DEF6 (DEF6 guanine nucleotide exchange factor; plus strand). Cytogenetic location: 6p21.31.
Variant type: single nucleotide variant.
Coding change: c.11G>A on transcript NM_022047.4 (MANE Select); coding-DNA position 11, G replaced by A.
Protein change: p.Arg4His; replaces arginine 4 with histidine.
Molecular consequence: missense variant.
Genome position (GRCh38, 1-based): chr6:35,297,867, G>A. VCF-style: chr6-35297867-G-A. GRCh37 (hg19) VCF-style: chr6-35265644-G-A.
Other names: c.11G>A (NM_022047.3); short protein forms R4H.
Identifiers: ClinVar variation 1431394 (VCV001431394.6), dbSNP rs138793522, ClinGen allele CA3770617.